The following is an entry in ClinVar:

NM_001035.3(RYR2):c.5169C>T (p.Asn1723=)

Gene: RYR2 (ryanodine receptor 2; plus strand). Cytogenetic location: 1q43.
Variant type: single nucleotide variant.
Coding change: c.5169C>T on transcript NM_001035.3 (MANE Select); coding-DNA position 5169, C replaced by T.
Protein change: p.Asn1723=; no amino-acid change (asparagine 1723 retained).
Molecular consequence: synonymous variant.
Genome position (GRCh38, 1-based): chr1:237,614,297, C>T. VCF-style: chr1-237614297-C-T. GRCh37 (hg19) VCF-style: chr1-237777597-C-T.
Identifiers: ClinVar variation 706866 (VCV000706866.19), dbSNP rs772441741, ClinGen allele CA086843.

ClinVar aggregate classification (germline): Likely benign. Review status: criteria provided, multiple submitters, no conflicts (2 of 4 stars). 5 submissions from 5 submitters: Likely benign (5). Last evaluated 2026-07-04.

Conditions:
Catecholaminergic polymorphic ventricular tachycardia (CVPT). Also called: Catecholamine-induced polymorphic ventricular tachycardia. Identifiers: Orphanet 3286, MedGen C5574922, MONDO:0017990.
Catecholaminergic polymorphic ventricular tachycardia 1. Also called: VENTRICULAR TACHYCARDIA, CATECHOLAMINERGIC POLYMORPHIC, 1, WITH OR WITHOUT ATRIAL DYSFUNCTION AND/OR DILATED CARDIOMYOPATHY; RYR2-Related Catecholaminergic Polymorphic Ventricular Tachycardia; VENTRICULAR TACHYCARDIA, STRESS-INDUCED POLYMORPHIC 1. Identifiers: Orphanet 3286, MedGen C1631597, MONDO:0011484, OMIM 604772.
Cardiomyopathy (CMYO). Also called: Cardiomyopathies. Identifiers: Orphanet 167848, MedGen C0878544, MONDO:0004994, HP:0001638. Inheritance: Various modes of inheritance.
Cardiovascular phenotype. Identifiers: MedGen CN230736.

Allele frequency attached by ClinVar (database versions not stated): TOPMed 0.00002; ExAC 0.00003; gnomAD 0.00003; gnomAD exomes 0.00004.
gnomAD v4.1: 36 of 1,613,900 alleles (0.0022%); highest among the groups gnomAD compares: South Asian, 0.02%; no homozygotes.

Submissions (5):

Ambry Genetics
Classification: Likely benign for Cardiovascular phenotype. Last evaluated: 2026-07-04. Review status: criteria provided, single submitter. Criteria: Ambry Variant Classification Scheme 2023. Collection method: clinical testing. Allele origin: germline.

Labcorp Genetics (formerly Invitae), Labcorp
Classification: Likely benign for Catecholaminergic polymorphic ventricular tachycardia 1. Last evaluated: 2025-09-17. Review status: criteria provided, single submitter. Criteria: Invitae Variant Classification Sherloc (09022015). Collection method: clinical testing. Allele origin: germline.

All of Us Research Program, National Institutes of Health
Classification: Likely benign for Catecholaminergic polymorphic ventricular tachycardia. Last evaluated: 2023-12-01. Review status: criteria provided, single submitter. Criteria: ACMG Guidelines, 2015. Collection method: clinical testing. Allele origin: germline. Inheritance: Autosomal dominant inheritance. Observed: 5 variant alleles, 5 heterozygotes.
Comment: This study involves interpretation of variants in research participants for the purpose of population health screening. Participant phenotype was not available at the time of variant classification. Additional details can be found in publication PMID: 35346344, PMCID: PMC8962531

Color Diagnostics, LLC DBA Color Health
Classification: Likely benign for Cardiomyopathy. Last evaluated: 2020-10-13. Review status: criteria provided, single submitter. Criteria: ACMG Guidelines, 2015. Collection method: clinical testing. Allele origin: germline.

GeneDx
Classification: Likely benign. Last evaluated: 2018-12-06. Review status: criteria provided, single submitter. Criteria: GeneDx Variant Classification Process June 2021. Collection method: clinical testing. Allele origin: germline. Affected: yes.